The following is an entry in ClinVar:

NM_032119.4(ADGRV1):c.15480C>A (p.Tyr5160Ter)

Gene: ADGRV1 (adhesion G protein-coupled receptor V1; plus strand). Cytogenetic location: 5q14.3.
Variant type: single nucleotide variant.
Coding change: c.15480C>A on transcript NM_032119.4 (MANE Select); coding-DNA position 15480, C replaced by A.
Protein change: p.Tyr5160Ter; replaces tyrosine 5160 with a stop codon.
Molecular consequence: nonsense. On other transcripts: non-coding transcript variant (1).
Genome position (GRCh38, 1-based): chr5:90,810,740, C>A. VCF-style: chr5-90810740-C-A. GRCh37 (hg19) VCF-style: chr5-90106557-C-A.
Other names: short protein forms Y5160*.
Identifiers: ClinVar variation 1416398 (VCV001416398.6), dbSNP rs2150228286, ClinGen allele CA360409708.

ClinVar aggregate classification (germline): Pathogenic (1 of 4 stars; one submission).

Submission:

Labcorp Genetics (formerly Invitae), Labcorp
Classification: Pathogenic. Last evaluated: 2021-02-21. Review status: criteria provided, single submitter. Criteria: Invitae Variant Classification Sherloc (09022015). Collection method: clinical testing. Allele origin: germline.
Comment: This variant is not present in population databases (ExAC no frequency). This variant has not been reported in the literature in individuals with ADGRV1-related conditions. For these reasons, this variant has been classified as Pathogenic. This sequence change creates a premature translational stop signal (p.Tyr5160*) in the ADGRV1 gene. It is expected to result in an absent or disrupted protein product. Loss-of-function variants in ADGRV1 are known to be pathogenic (PMID: 19357117, 22135276, 22147658, 26667666, 30029497).

Literature cited by the submitters: PubMed 19357117; PubMed 22135276; PubMed 22147658; PubMed 26667666; PubMed 30029497.